The following is an entry in ClinVar:

NM_001097577.3(ANG):c.109C>A (p.His37Asn)

Genes: ANG (angiogenin; plus strand), EGILA (EGFR interacting lncRNA; minus strand), RNASE4 (ribonuclease A family member 4; plus strand). Cytogenetic location: 14q11.2.
Variant type: single nucleotide variant.
Coding change: c.109C>A on transcript NM_001097577.3 (MANE Select); coding-DNA position 109, C replaced by A.
Protein change: p.His37Asn; replaces histidine 37 with asparagine.
Molecular consequence: missense variant. On other transcripts: non-coding transcript variant (1), intron variant (4).
Genome position (GRCh38, 1-based): chr14:20,693,673, C>A. VCF-style: chr14-20693673-C-A. GRCh37 (hg19) VCF-style: chr14-21161832-C-A.
Other names: c.109C>A, p.His37Asn (NM_001145.4, NM_001385271.1, NM_001385272.1 and 2 more transcripts); c.-18+23C>A (NM_001282192.2); c.-17-5682C>A (NM_002937.5, NM_001282193.2); c.-18+4799C>A (NM_194431.3); short protein forms H37N.
Identifiers: ClinVar variation 4749852 (VCV004749852.1).
Genomic context (GRCh38, chr14:20,693,673, plus strand): 5'-GGTCTGACCCCACCGACCCTGGCTCAGGATAACTCCAGGTACACACACTTCCTGACCCAG[C>A]ACTATGATGCCAAACCACAGGGCCGGGATGACAGATACTGTGAAAGCATCATGAGGAGAC-3'
Protein context (NP_001091046.1, residues 27-47): NSRYTHFLTQ[His37Asn]YDAKPQGRDD

ClinVar aggregate classification (germline): Uncertain significance (1 of 4 stars; one submission).

gnomAD v4.1: 2 of 1,614,186 alleles (0.00012%); highest among the groups gnomAD compares: Non-Finnish European, 0.00017%; no homozygotes.

Submission:

Labcorp Genetics (formerly Invitae), Labcorp
Classification: Uncertain significance. Last evaluated: 2025-05-28. Review status: criteria provided, single submitter. Criteria: Invitae Variant Classification Sherloc (09022015). Collection method: clinical testing. Allele origin: germline.
Comment: This sequence change replaces histidine, which is basic and polar, with asparagine, which is neutral and polar, at codon 37 of the ANG protein (p.His37Asn). This variant is not present in population databases (gnomAD no frequency). This variant has not been reported in the literature in individuals affected with ANG-related conditions. An algorithm developed to predict the effect of missense changes on protein structure and function (PolyPhen-2) suggests that this variant is likely to be disruptive. In summary, the available evidence is currently insufficient to determine the role of this variant in disease. Therefore, it has been classified as a Variant of Uncertain Significance.